The following is an entry in ClinVar:

ClinVar aggregate classification (germline): Uncertain significance (1 of 4 stars; one submission).

Submission:

Labcorp Genetics (formerly Invitae), Labcorp
Classification: Uncertain significance. Last evaluated: 2023-07-29. Review status: criteria provided, single submitter. Criteria: Invitae Variant Classification Sherloc (09022015). Collection method: clinical testing. Allele origin: germline.
Comment: This variant, c.255_257dup, results in the insertion of 1 amino acid(s) of the SIRT1 protein (p.Ala86dup), but otherwise preserves the integrity of the reading frame. This variant is not present in population databases (gnomAD no frequency). This variant has not been reported in the literature in individuals affected with SIRT1-related conditions. In summary, the available evidence is currently insufficient to determine the role of this variant in disease. Therefore, it has been classified as a Variant of Uncertain Significance.

NM_012238.5(SIRT1):c.246GGC[5] (p.Ala86_Gly87insAla)

Genes: SIRT1 (sirtuin 1; plus strand), LOC107832851 (SIRT1 promoter region; plus strand). Cytogenetic location: 10q21.3.
Variant type: Microsatellite.
Coding change: c.246GGC[5] on transcript NM_012238.5 (MANE Select); five copies in a row of the 3-base unit GGC starting at c.246; the reference has four copies in a row; one copy, 3 bases duplicated.
Protein change: p.Ala86_Gly87insAla.
Molecular consequence: inframe insertion.
Genome position (GRCh38, 1-based): chr10:67,884,976-67,884,978, GGC duplicated; duplicating any 3 consecutive bases within chr10:67,884,967-67,884,978 gives the same sequence; the position shown is the placement nearest the transcript's 3' end. VCF-style (leftmost placement, unchanged base first): chr10-67884966-A-AGGC. GRCh37 (hg19) VCF-style: chr10-69644724-A-AGGC.
Identifiers: ClinVar variation 2966385 (VCV002966385.3), dbSNP rs973246866, ClinGen allele CA208364209.
Genomic context (GRCh38, chr10:67,884,966, plus strand): 5'-CGGCGGCCAGGGGCTGCCCGGGTGCGGCGGCGGCGGCGCTGTGGCGGGAGGCGGAGGCAG[A>AGGC]GGCGGCGGCGGCAGGCGGGGAGCAAGAGGCCCAGGCGACTGCGGCGGCTGGGGAAGGAGA-3'